The following is an entry in ClinVar:

ClinVar aggregate classification (germline): Uncertain significance. Review status: criteria provided, multiple submitters, no conflicts (2 of 4 stars). 2 submissions from 2 submitters: Uncertain significance (2). Last evaluated 2024-08-01.

Conditions:
Inborn genetic diseases. Identifiers: MedGen C0950123, MeSH D030342.

Allele frequency attached by ClinVar (database versions not stated): ESP Exome Variant Server 0.00008.
gnomAD v4.1: 16 of 1,611,642 alleles (0.00099%); highest among the groups gnomAD compares: African/African-American, 0.004%; no homozygotes.

Submissions (2):

Ambry Genetics
Classification: Uncertain significance for Inborn genetic diseases. Last evaluated: 2024-08-01. Review status: criteria provided, single submitter. Criteria: Ambry Variant Classification Scheme 2023. Collection method: clinical testing. Allele origin: germline.

Labcorp Genetics (formerly Invitae), Labcorp
Classification: Uncertain significance. Last evaluated: 2022-11-15. Review status: criteria provided, single submitter. Criteria: Invitae Variant Classification Sherloc (09022015). Collection method: clinical testing. Allele origin: germline.
Comment: This variant is present in population databases (rs370411745, gnomAD 0.01%). This sequence change replaces threonine, which is neutral and polar, with methionine, which is neutral and non-polar, at codon 946 of the GUCY2C protein (p.Thr946Met). This variant has not been reported in the literature in individuals affected with GUCY2C-related conditions. In summary, the available evidence is currently insufficient to determine the role of this variant in disease. Therefore, it has been classified as a Variant of Uncertain Significance. Advanced modeling of protein sequence and biophysical properties (such as structural, functional, and spatial information, amino acid conservation, physicochemical variation, residue mobility, and thermodynamic stability) performed at Invitae indicates that this missense variant is expected to disrupt GUCY2C protein function.

NM_004963.4(GUCY2C):c.2837C>T (p.Thr946Met)

Genes: GUCY2C (guanylate cyclase 2C; minus strand), PLBD1-AS1 (PLBD1 antisense RNA 1; plus strand). Cytogenetic location: 12p12.3.
Variant type: single nucleotide variant.
Coding change: c.2837C>T on transcript NM_004963.4 (MANE Select); coding-DNA position 2837, C replaced by T.
Protein change: p.Thr946Met; replaces threonine 946 with methionine.
Molecular consequence: missense variant. On other transcripts: non-coding transcript variant (1).
Genome position (GRCh38, 1-based): chr12:14,619,249, G>A on the plus strand (C>T on the coding strand, the complement: GUCY2C is on the minus strand). VCF-style: chr12-14619249-G-A. GRCh37 (hg19) VCF-style: chr12-14772183-G-A.
Other names: c.2837C>T (NM_004963.3); short protein forms T946M.
Identifiers: ClinVar variation 2883496 (VCV002883496.4), dbSNP rs370411745, ClinGen allele CA6462967.